The following is an entry in ClinVar:

ClinVar aggregate classification (germline): Uncertain significance. Review status: criteria provided, multiple submitters, no conflicts (2 of 4 stars). 2 submissions from 2 submitters: Uncertain significance (2). Last evaluated 2023-12-11.

Conditions:
Inborn genetic diseases. Identifiers: MedGen C0950123, MeSH D030342.

Allele frequency attached by ClinVar (database versions not stated): TOPMed 0.00001.

Submissions (2):

Labcorp Genetics (formerly Invitae), Labcorp
Classification: Uncertain significance. Last evaluated: 2023-12-11. Review status: criteria provided, single submitter. Criteria: Invitae Variant Classification Sherloc (09022015). Collection method: clinical testing. Allele origin: germline.
Comment: This sequence change replaces valine, which is neutral and non-polar, with leucine, which is neutral and non-polar, at codon 418 of the LRRK1 protein (p.Val418Leu). This variant is present in population databases (no rsID available, gnomAD 0.003%). This variant has not been reported in the literature in individuals affected with LRRK1-related conditions. ClinVar contains an entry for this variant (Variation ID: 1956473). An algorithm developed to predict the effect of missense changes on protein structure and function (PolyPhen-2) suggests that this variant¬†is likely to be tolerated. In summary, the available evidence is currently insufficient to determine the role of this variant in disease. Therefore, it has been classified as a Variant of Uncertain Significance.

Ambry Genetics
Classification: Uncertain significance for Inborn genetic diseases. Last evaluated: 2023-12-09. Review status: criteria provided, single submitter. Criteria: Ambry Variant Classification Scheme 2023. Collection method: clinical testing. Allele origin: germline.

NM_024652.6(LRRK1):c.1252G>T (p.Val418Leu)

Gene: LRRK1 (leucine rich repeat kinase 1; plus strand). Cytogenetic location: 15q26.3.
Variant type: single nucleotide variant.
Coding change: c.1252G>T on transcript NM_024652.6 (MANE Select); coding-DNA position 1252, G replaced by T.
Protein change: p.Val418Leu; replaces valine 418 with leucine.
Molecular consequence: missense variant.
Genome position (GRCh38, 1-based): chr15:101,010,808, G>T. VCF-style: chr15-101010808-G-T. GRCh37 (hg19) VCF-style: chr15-101551013-G-T.
Other names: c.1252G>T (NM_024652.3); short protein forms V418L.
Identifiers: ClinVar variation 1956473 (VCV001956473.5), dbSNP rs763083060, ClinGen allele CA393956874.
Genomic context (GRCh38, chr15:101,010,808, plus strand): 5'-CTGTTCCTTCACTCTTTCAAGTCCCTCAATTCTCTGAATGTCTCCAGAAACAACCTGAAG[G>T]TGTTTCCAGATCCCTGGGCCTGCCCTTTGGTGAGTATCACACCAAAAGTCATGAAAGCCA-3'
Protein context (NP_078928.3, residues 408-428): SLNVSRNNLK[Val418Leu]FPDPWACPLK